The following is an entry in ClinVar:

NM_016507.4(CDK12):c.4106C>A (p.Thr1369Asn)

Gene: CDK12 (cyclin dependent kinase 12; plus strand). Cytogenetic location: 17q12.
Variant type: single nucleotide variant.
Coding change: c.4106C>A on transcript NM_016507.4 (MANE Select); coding-DNA position 4106, C replaced by A.
Protein change: p.Thr1369Asn; replaces threonine 1369 with asparagine.
Molecular consequence: missense variant.
Genome position (GRCh38, 1-based): chr17:39,530,949, C>A. VCF-style: chr17-39530949-C-A. GRCh37 (hg19) VCF-style: chr17-37687202-C-A.
Other names: c.4079C>A, p.Thr1360Asn (NM_015083.4); short protein forms T1360N, T1369N.
Identifiers: ClinVar variation 3830379 (VCV003830379.1).

ClinVar aggregate classification (germline): Uncertain significance (1 of 4 stars; one submission).

gnomAD v4.1: 2 of 1,614,218 alleles (0.00012%); highest among the groups gnomAD compares: Non-Finnish European, 0.00017%; no homozygotes.

Submission:

Ambry Genetics
Classification: Uncertain significance. Last evaluated: 2024-12-20. Review status: criteria provided, single submitter. Criteria: Ambry Variant Classification Scheme 2023. Collection method: clinical testing. Allele origin: germline.
Comment: The p.T1369N variant (also known as c.4106C>A), located in coding exon 14 of the CDK12 gene, results from a C to A substitution at nucleotide position 4106. The threonine at codon 1369 is replaced by asparagine, an amino acid with similar properties. This amino acid position is conserved. In addition, this alteration is predicted to be tolerated by in silico analysis. Based on the available evidence, the clinical significance of this variant remains unclear.